The following is an entry in ClinVar:

NM_019108.4(SMG9):c.1485-9T>G

Gene: SMG9 (SMG9 nonsense mediated mRNA decay factor; minus strand). Cytogenetic location: 19q13.31.
Variant type: single nucleotide variant.
Coding change: c.1485-9T>G on transcript NM_019108.4 (MANE Select); 9 bases into the intron before coding-DNA position 1485, T replaced by G.
Molecular consequence: intron variant.
Genome position (GRCh38, 1-based): chr19:43,731,683, A>C on the plus strand (T>G on the coding strand, the complement: SMG9 is on the minus strand). VCF-style: chr19-43731683-A-C. GRCh37 (hg19) VCF-style: chr19-44235835-A-C.
Identifiers: ClinVar variation 5006004 (VCV005006004.2).

ClinVar aggregate classification (germline): Uncertain significance (1 of 4 stars; one submission).

Conditions:
Neurodevelopmental disorder with intention tremor, pyramidal signs, dyspraxia, and ocular anomalies (NEDITPO). Identifiers: MedGen C5774196, MONDO:0859274, OMIM 619995.
Heart and brain malformation syndrome (HBMS). Identifiers: MedGen C4310793, MONDO:0014833, OMIM 616920.

gnomAD v4.1: 13 of 1,614,076 alleles (0.00081%); highest among the groups gnomAD compares: East Asian, 0.0067%; no homozygotes.

Submission:

Juno Genomics, Hangzhou Juno Genomics, Inc
Classification: Uncertain significance for Heart and brain malformation syndrome; Neurodevelopmental disorder with intention tremor, pyramidal signs, dyspraxia, and ocular anomalies. Review status: criteria provided, single submitter. Criteria: ACMG Guidelines, 2015. Collection method: clinical testing. Allele origin: germline.
Comment: Absent from controls (or at extremely low frequency if recessive) in Genome Aggregation Database.;Multiple lines of computational evidence support a deleterious effect on the gene or gene product.